The following is an entry in ClinVar:

ClinVar aggregate classification (germline): Uncertain significance (1 of 4 stars; one submission).

Allele frequency attached by ClinVar (database versions not stated): gnomAD 0.00001.
gnomAD v4.1: 28 of 1,301,542 alleles (0.0022%); highest among the groups gnomAD compares: South Asian, 0.055%; 1 homozygote.

Submission:

Labcorp Genetics (formerly Invitae), Labcorp
Classification: Uncertain significance. Last evaluated: 2023-10-03. Review status: criteria provided, single submitter. Criteria: Invitae Variant Classification Sherloc (09022015). Collection method: clinical testing. Allele origin: germline.
Comment: This sequence change replaces cysteine, which is neutral and slightly polar, with glycine, which is neutral and non-polar, at codon 64 of the LOR protein (p.Cys64Gly). The frequency data for this variant in the population databases is considered unreliable, as metrics indicate poor data quality at this position in the gnomAD database. This variant has not been reported in the literature in individuals affected with LOR-related conditions. Algorithms developed to predict the effect of missense changes on protein structure and function output the following: SIFT: "Not Available"; PolyPhen-2: "Not Available"; Align-GVGD: "Not Available". The glycine amino acid residue is found in multiple mammalian species, which suggests that this missense change does not adversely affect protein function. In summary, the available evidence is currently insufficient to determine the role of this variant in disease. Therefore, it has been classified as a Variant of Uncertain Significance.

NM_000427.3(LORICRIN):c.190T>G (p.Cys64Gly)

Gene: LORICRIN (loricrin cornified envelope precursor protein; plus strand). Cytogenetic location: 1q21.3.
Variant type: single nucleotide variant.
Coding change: c.190T>G on transcript NM_000427.3 (MANE Select); coding-DNA position 190, T replaced by G.
Protein change: p.Cys64Gly; replaces cysteine 64 with glycine.
Molecular consequence: missense variant.
Genome position (GRCh38, 1-based): chr1:153,261,139, T>G. VCF-style: chr1-153261139-T-G. GRCh37 (hg19) VCF-style: chr1-153233615-T-G.
Other names: short protein forms C64G.
Identifiers: ClinVar variation 2976953 (VCV002976953.3), dbSNP rs760833809, ClinGen allele CA1114318.